The following is an entry in ClinVar:

ClinVar aggregate classification (germline): Uncertain significance (1 of 4 stars; one submission).

Conditions:
Cardiovascular phenotype. Identifiers: MedGen CN230736.

Submission:

Ambry Genetics
Classification: Uncertain significance for Cardiovascular phenotype. Last evaluated: 2024-02-22. Review status: criteria provided, single submitter. Criteria: Ambry Variant Classification Scheme 2023. Collection method: clinical testing. Allele origin: germline.
Comment: The p.P921R variant (also known as c.2762C>G), located in coding exon 20 of the LAMA4 gene, results from a C to G substitution at nucleotide position 2762. The proline at codon 921 is replaced by arginine, an amino acid with dissimilar properties. This amino acid position is highly conserved in available vertebrate species. In addition, this alteration is predicted to be deleterious by in silico analysis. The evidence for this gene-disease relationship is limited; therefore, the clinical significance of this alteration is unclear.

NM_001105206.3(LAMA4):c.2783C>G (p.Pro928Arg)

Genes: LAMA4 (laminin subunit alpha 4; minus strand), LOC126859766 (MED14-independent group 3 enhancer GRCh37_chr6:112462018-112463217; plus strand). Cytogenetic location: 6q21.
Variant type: single nucleotide variant.
Coding change: c.2783C>G on transcript NM_001105206.3 (MANE Select); coding-DNA position 2783, C replaced by G.
Protein change: p.Pro928Arg; replaces proline 928 with arginine.
Molecular consequence: missense variant.
Genome position (GRCh38, 1-based): chr6:112,141,388, G>C on the plus strand (C>G on the coding strand, the complement: LAMA4 is on the minus strand). VCF-style: chr6-112141388-G-C. GRCh37 (hg19) VCF-style: chr6-112462590-G-C.
Other names: c.2762C>G, p.Pro921Arg (NM_001105207.3, NM_002290.5); short protein forms P921R, P928R.
Identifiers: ClinVar variation 3222037 (VCV003222037.1), dbSNP rs2547026204, ClinGen allele CA365380124.